The following is an entry in ClinVar:

ClinVar aggregate classification (germline): Uncertain significance (0 of 4 stars; one submission).

Submission:

Leiden Open Variation Database
Classification: Uncertain significance. Last evaluated: 2012-05-02. Review status: no assertion criteria provided. Collection method: curation. Allele origin: germline. Affected: yes.
Comment: Curator: Arleen D. Auerbach. Submitter to LOVD: Johan den Dunnen.

Literature cited by the submitters: PubMed 22464251.

NM_005431.2(XRCC2):c.693G>T (p.Trp231Cys)

Gene: XRCC2 (X-ray repair cross complementing 2; minus strand). Cytogenetic location: 7q36.1.
Variant type: single nucleotide variant.
Coding change: c.693G>T on transcript NM_005431.2 (MANE Select); coding-DNA position 693, G replaced by T.
Protein change: p.Trp231Cys; replaces tryptophan 231 with cysteine.
Molecular consequence: missense variant.
Genome position (GRCh38, 1-based): chr7:152,648,792, C>A on the plus strand (G>T on the coding strand, the complement: XRCC2 is on the minus strand). VCF-style: chr7-152648792-C-A. GRCh37 (hg19) VCF-style: chr7-152345877-C-A.
Other names: short protein forms W231C.
Identifiers: ClinVar variation 929633 (VCV000929633.1), dbSNP rs1267462913, ClinGen allele CA370198153.